The following is an entry in ClinVar:

NM_004946.3(DOCK2):c.2072A>G (p.His691Arg)

Gene: DOCK2 (dedicator of cytokinesis 2; plus strand). Cytogenetic location: 5q35.1.
Variant type: single nucleotide variant.
Coding change: c.2072A>G on transcript NM_004946.3 (MANE Select); coding-DNA position 2072, A replaced by G.
Protein change: p.His691Arg; replaces histidine 691 with arginine.
Molecular consequence: missense variant. On other transcripts: non-coding transcript variant (1).
Genome position (GRCh38, 1-based): chr5:169,717,424, A>G. VCF-style: chr5-169717424-A-G. GRCh37 (hg19) VCF-style: chr5-169144428-A-G.
Other names: c.2072A>G (NM_004946.2); short protein forms H691R.
Identifiers: ClinVar variation 1052719 (VCV001052719.7), dbSNP rs761316602, ClinGen allele CA3553663.
Genomic context (GRCh38, chr5:169,717,424, plus strand): 5'-CTGCCTTGCATCTTCCTCAGATTTACATAATAGGACTCATTGCAGACCGGAAATTTCAGC[A>G]TTTCAACACCGTTCTGGAGGCTTACATCCAACAGCATTTCAGTGCGACCTTGGCTTACAA-3'
Protein context (NP_004937.1, residues 681-701): IGLIADRKFQ[His691Arg]FNTVLEAYIQ

ClinVar aggregate classification (germline): Uncertain significance. Review status: criteria provided, multiple submitters, no conflicts (2 of 4 stars). 2 submissions from 2 submitters: Uncertain significance (2). Last evaluated 2025-06-10.

Conditions:
Inborn genetic diseases. Identifiers: MedGen C0950123, MeSH D030342.
DOCK2 deficiency. Also called: Immunodeficiency 40. Identifiers: Orphanet 447737, MedGen C4225328, MONDO:0014637, OMIM 616433.

Allele frequency attached by ClinVar (database versions not stated): gnomAD exomes 0.00003 and 0.00002; ExAC 0.00005; gnomAD 0.00004; TOPMed 0.00003.
gnomAD v4.1: 33 of 1,613,826 alleles (0.002%); highest among the groups gnomAD compares: Non-Finnish European, 0.0027%; no homozygotes.

Submissions (2):

Ambry Genetics
Classification: Uncertain significance for Inborn genetic diseases. Last evaluated: 2025-06-10. Review status: criteria provided, single submitter. Criteria: Ambry Variant Classification Scheme 2023. Collection method: clinical testing. Allele origin: germline.

Labcorp Genetics (formerly Invitae), Labcorp
Classification: Uncertain significance for DOCK2 deficiency. Last evaluated: 2022-07-09. Review status: criteria provided, single submitter. Criteria: Invitae Variant Classification Sherloc (09022015). Collection method: clinical testing. Allele origin: germline.
Comment: This sequence change replaces histidine, which is basic and polar, with arginine, which is basic and polar, at codon 691 of the DOCK2 protein (p.His691Arg). This variant is present in population databases (rs761316602, gnomAD 0.007%). This variant has not been reported in the literature in individuals affected with DOCK2-related conditions. ClinVar contains an entry for this variant (Variation ID: 1052719). Algorithms developed to predict the effect of missense changes on protein structure and function are either unavailable or do not agree on the potential impact of this missense change (SIFT: "Tolerated"; PolyPhen-2: "Probably Damaging"; Align-GVGD: "Class C0"). In summary, the available evidence is currently insufficient to determine the role of this variant in disease. Therefore, it has been classified as a Variant of Uncertain Significance.